The following is an entry in ClinVar:

ClinVar aggregate classification (germline): Uncertain significance (1 of 4 stars; one submission).

Allele frequency attached by ClinVar (database versions not stated): gnomAD exomes 0.00003; ExAC 0.00005; TOPMed 0.00011; gnomAD 0.00023.
gnomAD v4.1: 83 of 1,609,330 alleles (0.0052%); highest among the groups gnomAD compares: Admixed American, 0.09%; 1 homozygote.

Submission:

Labcorp Genetics (formerly Invitae), Labcorp
Classification: Uncertain significance. Last evaluated: 2022-06-05. Review status: criteria provided, single submitter. Criteria: Invitae Variant Classification Sherloc (09022015). Collection method: clinical testing. Allele origin: germline.
Comment: Algorithms developed to predict the effect of sequence changes on RNA splicing suggest that this variant may create or strengthen a splice site. Advanced modeling of protein sequence and biophysical properties (such as structural, functional, and spatial information, amino acid conservation, physicochemical variation, residue mobility, and thermodynamic stability) performed at Invitae indicates that this missense variant is expected to disrupt CRB2 protein function. This variant has not been reported in the literature in individuals affected with CRB2-related conditions. This variant is present in population databases (rs757794643, gnomAD 0.07%). This sequence change replaces glycine, which is neutral and non-polar, with arginine, which is basic and polar, at codon 371 of the CRB2 protein (p.Gly371Arg). In summary, the available evidence is currently insufficient to determine the role of this variant in disease. Therefore, it has been classified as a Variant of Uncertain Significance.

NM_173689.7(CRB2):c.1111G>A (p.Gly371Arg)

Gene: CRB2 (crumbs cell polarity complex component 2; plus strand). Cytogenetic location: 9q33.3.
Variant type: single nucleotide variant.
Coding change: c.1111G>A on transcript NM_173689.7 (MANE Select); coding-DNA position 1111, G replaced by A.
Protein change: p.Gly371Arg; replaces glycine 371 with arginine.
Molecular consequence: missense variant. On other transcripts: non-coding transcript variant (1).
Genome position (GRCh38, 1-based): chr9:123,370,164, G>A. VCF-style: chr9-123370164-G-A. GRCh37 (hg19) VCF-style: chr9-126132443-G-A.
Other names: short protein forms G371R.
Identifiers: ClinVar variation 1946153 (VCV001946153.4), dbSNP rs757794643, ClinGen allele CA5231909.
Genomic context (GRCh38, chr9:123,370,164, plus strand): 5'-AAAGGGCCGACATGTGAGGAAGATGTGGATGAATGCCTGTCGGATCCCTGCCTGCACGGC[G>A]GAACCTGCAGTGACACTGTGGCAGGCTATATCTGCAGGTGCCCAGAGACCTGGGGTGGGC-3'
Protein context (NP_775960.4, residues 361-381): ECLSDPCLHG[Gly371Arg]TCSDTVAGYI